The following is an entry in ClinVar:

NM_002474.3(MYH11):c.5553G>A (p.Leu1851=)

Genes: NDE1 (nudE neurodevelopment protein 1; plus strand), MYH11 (myosin heavy chain 11; minus strand). Cytogenetic location: 16p13.11.
Variant type: single nucleotide variant.
Coding change: c.5553G>A on transcript NM_002474.3 (MANE Select); coding-DNA position 5553, G replaced by A.
Protein change: p.Leu1851=; no amino-acid change (leucine 1851 retained).
Molecular consequence: synonymous variant. On other transcripts: intron variant (2).
Genome position (GRCh38, 1-based): chr16:15,715,224, C>T on the plus strand (G>A on the coding strand, the complement: MYH11 is on the minus strand). VCF-style: chr16-15715224-C-T. GRCh37 (hg19) VCF-style: chr16-15809081-C-T.
Other names: c.5574G>A, p.Leu1858= (NM_001040113.2, NM_001040114.2); c.5553G>A, p.Leu1851= (NM_022844.3); c.948-8967C>T (NM_001143979.2, NM_017668.3).
Identifiers: ClinVar variation 927493 (VCV000927493.10), dbSNP rs537426836, ClinGen allele CA278593768.

ClinVar aggregate classification (germline): Likely benign. Review status: criteria provided, multiple submitters, no conflicts (2 of 4 stars). 3 submissions from 3 submitters: Likely benign (3). Last evaluated 2023-06-26.

Conditions:
Aortic aneurysm, familial thoracic 4 (AAT4). Also called: AORTIC ANEURYSM/AORTIC DISSECTION AND PATENT DUCTUS ARTERIOSUS. Identifiers: MedGen C1851504, MONDO:0007568, OMIM 132900.
Familial thoracic aortic aneurysm and aortic dissection (TAAD). Also called: Thoracic aortic aneurysms and dissections. Identifiers: Orphanet 91387, MedGen C4707243, MONDO:0019625.

Allele frequency attached by ClinVar (database versions not stated): gnomAD exomes below 0.00001 and 0.00001; gnomAD 0.00001.
gnomAD v4.1: 7 of 1,614,164 alleles (0.00043%); highest among the groups gnomAD compares: East Asian, 0.011%; 1 homozygote.

Submissions (3):

All of Us Research Program, National Institutes of Health
Classification: Likely benign for Familial thoracic aortic aneurysm and aortic dissection. Last evaluated: 2023-06-26. Review status: criteria provided, single submitter. Criteria: ACMG Guidelines, 2015. Collection method: clinical testing. Allele origin: germline. Inheritance: Autosomal dominant inheritance. Observed: 1 variant allele, 1 heterozygote.
Comment: This study involves interpretation of variants in research participants for the purpose of population health screening. Participant phenotype was not available at the time of variant classification. Additional details can be found in publication PMID: 35346344, PMCID: PMC8962531

Labcorp Genetics (formerly Invitae), Labcorp
Classification: Likely benign for Aortic aneurysm, familial thoracic 4. Last evaluated: 2021-03-25. Review status: criteria provided, single submitter. Criteria: Invitae Variant Classification Sherloc (09022015). Collection method: clinical testing. Allele origin: germline.

Color Diagnostics, LLC DBA Color Health
Classification: Likely benign for Familial thoracic aortic aneurysm and aortic dissection. Last evaluated: 2019-07-09. Review status: criteria provided, single submitter. Criteria: ACMG Guidelines, 2015. Collection method: clinical testing. Allele origin: germline.